The following is an entry in ClinVar:

NM_030777.4(SLC2A10):c.112C>T (p.Leu38Phe)

Gene: SLC2A10 (solute carrier family 2 member 10; plus strand). Cytogenetic location: 20q13.12.
Variant type: single nucleotide variant.
Coding change: c.112C>T on transcript NM_030777.4 (MANE Select); coding-DNA position 112, C replaced by T.
Protein change: p.Leu38Phe; replaces leucine 38 with phenylalanine.
Molecular consequence: missense variant.
Genome position (GRCh38, 1-based): chr20:46,725,148, C>T. VCF-style: chr20-46725148-C-T. GRCh37 (hg19) VCF-style: chr20-45353787-C-T.
Other names: short protein forms L38F.
Identifiers: ClinVar variation 4864596 (VCV004864596.2).

ClinVar aggregate classification (germline): Conflicting classifications of pathogenicity. Review status: criteria provided, conflicting classifications (1 of 4 stars). 2 submissions from 2 submitters: Uncertain significance (1); Likely benign (1). Last evaluated 2026-08-04.

Conditions:
SLC2A10-related disorder. Also called: SLC2A10-related condition.
Familial thoracic aortic aneurysm and aortic dissection (TAAD). Also called: Thoracic aortic aneurysms and dissections. Identifiers: Orphanet 91387, MedGen C4707243, MONDO:0019625.

Submissions (2):

PreventionGenetics, part of Exact Sciences
Classification: Uncertain significance for SLC2A10-related condition. Last evaluated: 2026-08-04. Review status: criteria provided, single submitter. Criteria: ACMG Guidelines, 2015. Collection method: clinical testing. Allele origin: germline.
Comment: The SLC2A10 c.112C>T variant is predicted to result in the amino acid substitution p.Leu38Phe. To our knowledge, this variant has not been reported in the literature or in a large population database (gnomAD), indicating this variant is rare. At this time, the clinical significance of this variant is uncertain due to the absence of conclusive functional and genetic evidence.

Ambry Genetics
Classification: Likely benign for Familial thoracic aortic aneurysm and aortic dissection. Last evaluated: 2026-03-24. Review status: criteria provided, single submitter. Criteria: Ambry Variant Classification Scheme 2023. Collection method: clinical testing. Allele origin: germline.